The following is an entry in ClinVar:

ClinVar aggregate classification (germline): Uncertain significance (1 of 4 stars; one submission).

Allele frequency attached by ClinVar (database versions not stated): gnomAD 0.00001; TOPMed 0.00005.
gnomAD v4.1: 32 of 1,613,876 alleles (0.002%); highest among the groups gnomAD compares: Admixed American, 0.027%; no homozygotes.

Submission:

Labcorp Genetics (formerly Invitae), Labcorp
Classification: Uncertain significance. Last evaluated: 2025-01-06. Review status: criteria provided, single submitter. Criteria: Invitae Variant Classification Sherloc (09022015). Collection method: clinical testing. Allele origin: germline.
Comment: This sequence change replaces glycine, which is neutral and non-polar, with aspartic acid, which is acidic and polar, at codon 304 of the BMPER protein (p.Gly304Asp). This variant is present in population databases (rs747654032, gnomAD 0.03%). This variant has not been reported in the literature in individuals affected with BMPER-related conditions. ClinVar contains an entry for this variant (Variation ID: 1366342). Invitae Evidence Modeling of protein sequence and biophysical properties (such as structural, functional, and spatial information, amino acid conservation, physicochemical variation, residue mobility, and thermodynamic stability) indicates that this missense variant is not expected to disrupt BMPER protein function with a negative predictive value of 80%. In summary, the available evidence is currently insufficient to determine the role of this variant in disease. Therefore, it has been classified as a Variant of Uncertain Significance.

NM_001365308.1(BMPER):c.911G>A (p.Gly304Asp)

Gene: BMPER (BMP binding endothelial regulator; plus strand). Cytogenetic location: 7p14.3.
Variant type: single nucleotide variant.
Coding change: c.911G>A on transcript NM_001365308.1 (MANE Select); coding-DNA position 911, G replaced by A.
Protein change: p.Gly304Asp; replaces glycine 304 with aspartic acid.
Molecular consequence: missense variant.
Genome position (GRCh38, 1-based): chr7:34,055,287, G>A. VCF-style: chr7-34055287-G-A. GRCh37 (hg19) VCF-style: chr7-34094899-G-A.
Other names: c.911G>A, p.Gly304Asp (NM_133468.5); short protein forms G304D.
Identifiers: ClinVar variation 1366342 (VCV001366342.4), dbSNP rs747654032, ClinGen allele CA4215221.
Genomic context (GRCh38, chr7:34,055,287, plus strand): 5'-GCTGTTGTGAAGAGTGCCTCCTACGAGTGCCCCCAGAAGACATCAAAGTATGCAAATTTG[G>A]CAACAAGATTTTCCAGGTATGTCATGAGACAAGCACATGGGAACTCCTGTATTACTACGC-3'
Protein context (NP_001352237.1, residues 294-314): PPEDIKVCKF[Gly304Asp]NKIFQDGEMW